The following is an entry in ClinVar:

ClinVar aggregate classification (germline): Uncertain significance. Review status: criteria provided, multiple submitters, no conflicts (2 of 4 stars). 4 submissions from 4 submitters: Uncertain significance (4). Last evaluated 2023-10-20.

Conditions:
Inborn genetic diseases. Identifiers: MedGen C0950123, MeSH D030342.
Majeed syndrome (MJDS). Also called: LPIN2-Related Majeed Syndrome; CHRONIC RECURRENT MULTIFOCAL OSTEOMYELITIS 1, WITH CONGENITAL DYSERYTHROPOIETIC ANEMIA, WITH OR WITHOUT NEUTROPHILIC DERMATOSIS. Identifiers: Orphanet 77297, MedGen C1864997, MONDO:0012316, OMIM 609628.

Allele frequency attached by ClinVar (database versions not stated): ExAC 0.00001; gnomAD 0.00001; TOPMed 0.00001; gnomAD exomes 0.00002.
gnomAD v4.1: 13 of 1,614,056 alleles (0.00081%); highest among the groups gnomAD compares: Non-Finnish European, 0.0011%; no homozygotes.

Submissions (4):

Ambry Genetics
Classification: Uncertain significance for Inborn genetic diseases. Last evaluated: 2023-10-20. Review status: criteria provided, single submitter. Criteria: Ambry Variant Classification Scheme 2023. Collection method: clinical testing. Allele origin: germline.

Labcorp Genetics (formerly Invitae), Labcorp
Classification: Uncertain significance for Majeed syndrome. Last evaluated: 2021-10-19. Review status: criteria provided, single submitter. Criteria: Invitae Variant Classification Sherloc (09022015). Collection method: clinical testing. Allele origin: germline.
Comment: This sequence change replaces glutamic acid with glycine at codon 544 of the LPIN2 protein (p.Glu544Gly). The glutamic acid residue is highly conserved and there is a moderate physicochemical difference between glutamic acid and glycine. This variant is present in population databases (rs760055156, ExAC 0.001%). This variant has not been reported in the literature in individuals affected with LPIN2-related conditions. ClinVar contains an entry for this variant (Variation ID: 234431). Algorithms developed to predict the effect of missense changes on protein structure and function are either unavailable or do not agree on the potential impact of this missense change (SIFT: "Deleterious"; PolyPhen-2: "Probably Damaging"; Align-GVGD: "Class C0"). In summary, the available evidence is currently insufficient to determine the role of this variant in disease. Therefore, it has been classified as a Variant of Uncertain Significance.

Mayo Clinic Laboratories, Mayo Clinic
Classification: Uncertain significance. Last evaluated: 2020-11-03. Review status: criteria provided, single submitter. Criteria: ACMG Guidelines, 2015. Collection method: clinical testing. Allele origin: germline. Observed: 1 variant allele.

GeneDx
Classification: Uncertain significance. Last evaluated: 2015-04-30. Review status: criteria provided, single submitter. Criteria: GeneDx Variant Classification (06012015). Collection method: clinical testing. Allele origin: germline. Affected: yes.
Comment: The E544G variant has not been published as a mutation, nor has it been reported as a benign polymorphism to our knowledge. The E544G variant was not observed in approximately 6,500 individuals of European and African American ancestry in the NHLBI Exome Sequencing Project, indicating it is not a common benign variant in these populations. The E544G variant is a non-conservative amino acid substitution, which is likely to impact secondary protein structure as these residues differ in polarity, charge, size and/or other properties. This substitution occurs at a position that is conserved across species. In silico analysis is inconsistent in its predictions as to whether or not the variant is damaging to the protein structure/function. No missense mutations have been reported in nearby residues in the Human Gene Mutation Database (Stenson et al., 2014). Therefore, based on the currently available information, it is unclear whether this variant is a pathogenic mutation or a rare benign variant.

NM_001375808.2(LPIN2):c.1631A>G (p.Glu544Gly)

Gene: LPIN2 (lipin 2; minus strand). Cytogenetic location: 18p11.31.
Variant type: single nucleotide variant.
Coding change: c.1631A>G on transcript NM_001375808.2 (MANE Select); coding-DNA position 1631, A replaced by G.
Protein change: p.Glu544Gly; replaces glutamic acid 544 with glycine.
Molecular consequence: missense variant.
Genome position (GRCh38, 1-based): chr18:2,927,801, T>C on the plus strand (A>G on the coding strand, the complement: LPIN2 is on the minus strand). VCF-style: chr18-2927801-T-C. GRCh37 (hg19) VCF-style: chr18-2927799-T-C.
Other names: c.1631A>G, p.Glu544Gly (NM_001375809.1, NM_014646.2); short protein forms E544G.
Identifiers: ClinVar variation 234431 (VCV000234431.10), dbSNP rs760055156, ClinGen allele CA8873015.